The following is an entry in ClinVar:

NM_144643.4(SCLT1):c.916A>T (p.Thr306Ser)

Gene: SCLT1 (sodium channel and clathrin linker 1; minus strand). Cytogenetic location: 4q28.2.
Variant type: single nucleotide variant.
Coding change: c.916A>T on transcript NM_144643.4 (MANE Select); coding-DNA position 916, A replaced by T.
Protein change: p.Thr306Ser; replaces threonine 306 with serine.
Molecular consequence: missense variant.
Genome position (GRCh38, 1-based): chr4:128,959,731, T>A on the plus strand (A>T on the coding strand, the complement: SCLT1 is on the minus strand). VCF-style: chr4-128959731-T-A. GRCh37 (hg19) VCF-style: chr4-129880886-T-A.
Other names: c.916A>T, p.Thr306Ser (NM_001410807.1); short protein forms T306S.
Identifiers: ClinVar variation 4979898 (VCV004979898.1).

ClinVar aggregate classification (germline): Uncertain significance (1 of 4 stars; one submission).

Conditions:
SCLT1-related disorder. Also called: SCLT1-related condition.

Submission:

PreventionGenetics, part of Exact Sciences
Classification: Uncertain significance for SCLT1-related condition. Last evaluated: 2025-02-12. Review status: criteria provided, single submitter. Criteria: ACMG Guidelines, 2015. Collection method: clinical testing. Allele origin: germline.
Comment: The SCLT1 c.916A>T variant is predicted to result in the amino acid substitution p.Thr306Ser. To our knowledge, this variant has not been reported in the literature. This variant is reported in 0.049% of alleles in individuals of East Asian descent in gnomAD. At this time, the clinical significance of this variant is uncertain due to the absence of conclusive functional and genetic evidence.